The following is an entry in ClinVar:

ClinVar aggregate classification (germline): Pathogenic (1 of 4 stars; one submission).

Conditions:
Hereditary pheochromocytoma and paraganglioma. Also called: Hereditary paragangliomas and pheochromocytomas; Hereditary Paraganglioma-Pheochromocytoma Syndromes; Hereditary pheochromocytoma-paraganglioma. Identifiers: Orphanet 29072, MedGen C4274332, MONDO:0017366.

Submission:

Labcorp Genetics (formerly Invitae), Labcorp
Classification: Pathogenic for Hereditary pheochromocytoma and paraganglioma. Last evaluated: 2022-06-08. Review status: criteria provided, single submitter. Criteria: Invitae Variant Classification Sherloc (09022015). Collection method: clinical testing. Allele origin: germline.
Comment: For these reasons, this variant has been classified as Pathogenic. This variant disrupts a region of the TMEM127 protein in which other variant(s) (p.Tyr178Leufs*48) have been determined to be pathogenic (PMID: 28384794, 28855235; Invitae). This suggests that this is a clinically significant region of the protein, and that variants that disrupt it are likely to be disease-causing. This variant has not been reported in the literature in individuals affected with TMEM127-related conditions. This variant is not present in population databases (gnomAD no frequency). This sequence change creates a premature translational stop signal (p.Phe116Trpfs*36) in the TMEM127 gene. While this is not anticipated to result in nonsense mediated decay, it is expected to disrupt the last 123 amino acid(s) of the TMEM127 protein.

Literature cited by the submitters: PubMed 28384794; PubMed 28855235.

NM_017849.4(TMEM127):c.347_348del (p.Phe116fs)

Gene: TMEM127 (transmembrane protein 127; minus strand). Cytogenetic location: 2q11.2.
Variant type: Deletion.
Coding change: c.347_348del on transcript NM_017849.4 (MANE Select); coding-DNA positions 347 to 348, 2 bases deleted (TT; older notation c.347_348delTT).
Protein change: p.Phe116fs; shifts the reading frame from phenylalanine 116.
Molecular consequence: frameshift variant.
Genome position (GRCh38, 1-based): chr2:96,254,894-96,254,895, AA deleted on the plus strand (TT on the coding strand, the reverse complement: TMEM127 is on the minus strand); deleting any 2 consecutive bases within chr2:96,254,894-96,254,896 gives the same sequence; the c. name uses the placement nearest the transcript's 3' end. VCF-style (leftmost placement, unchanged base first): chr2-96254893-CAA-C. GRCh37 (hg19) VCF-style: chr2-96920631-CAA-C.
Other names: c.347_348del, p.Phe116fs (NM_001193304.3); c.94_95delTT, p.Phe32Trpfs (NM_001407282.1, NM_001407283.1); short protein forms F116fs.
Identifiers: ClinVar variation 2002970 (VCV002002970.4), dbSNP rs2467266291, ClinGen allele CA2580068330.
Genomic context (GRCh38, chr2:96,254,893, plus strand): 5'-CCGTTAGGATATGGGCGAAGGCATAGCGACGAGTGATCTTCAGAGCAGGATGCTTCGGCC[CAA>C]AGACATCCAGAAGGAAAGCGGAGAGACTACACAGGATGCCCAGGAAACAGAAGGCGGCGA-3'